The following is an entry in ClinVar:

NM_001267550.2(TTN):c.105719G>A (p.Arg35240Gln)

Genes: TTN (titin; minus strand), TTN-AS1 (TTN antisense RNA 1; plus strand), LOC129935183 (ATAC-STARR-seq lymphoblastoid active region 16808; plus strand). Cytogenetic location: 2q31.2.
Variant type: single nucleotide variant.
Coding change: c.105719G>A on transcript NM_001267550.2 (MANE Select); coding-DNA position 105719, G replaced by A.
Protein change: p.Arg35240Gln; replaces arginine 35240 with glutamine.
Molecular consequence: missense variant.
Genome position (GRCh38, 1-based): chr2:178,530,896, C>T on the plus strand (G>A on the coding strand, the complement: TTN is on the minus strand). VCF-style: chr2-178530896-C-T. GRCh37 (hg19) VCF-style: chr2-179395623-C-T.
Other names: c.100796G>A, p.Arg33599Gln (NM_001256850.1); c.78524G>A, p.Arg26175Gln (NM_003319.4); c.98015G>A, p.Arg32672Gln (NM_133378.4); c.78899G>A, p.Arg26300Gln (NM_133432.3); c.79100G>A, p.Arg26367Gln (NM_133437.4); short protein forms R32672Q, R35240Q, R33599Q, R26175Q, R26300Q, R26367Q.
Identifiers: ClinVar variation 178891 (VCV000178891.28), dbSNP rs530537991, ClinGen allele CA183238.

ClinVar aggregate classification (germline): Conflicting classifications of pathogenicity. Review status: criteria provided, conflicting classifications (1 of 4 stars). 8 submissions from 8 submitters: Uncertain significance (4); Likely benign (4). Last evaluated 2026-01-20.

Conditions:
Dilated cardiomyopathy 1G (CMD1G). Identifiers: Orphanet 154, MedGen C1858763, MONDO:0011400, OMIM 604145.
Autosomal recessive limb-girdle muscular dystrophy type 2J (LGMDR10). Also called: Limb-girdle muscular dystrophy, type 2J; MUSCULAR DYSTROPHY, LIMB-GIRDLE, AUTOSOMAL RECESSIVE 10. Identifiers: Orphanet 140922, MedGen C1837342, MONDO:0012127, OMIM 608807.
Cardiovascular phenotype. Identifiers: MedGen CN230736.
TTN-related disorder. Also called: TTN-related condition; TTN-related disease; TTN-related disorders.

Allele frequency attached by ClinVar (database versions not stated): 1000 Genomes Project 30x 0.00016; 1000 Genomes Project 0.00020; gnomAD 0.00005 and 0.00004; ExAC 0.00007; gnomAD exomes 0.00007 and 0.00004; TOPMed 0.00003.
gnomAD v4.1: 80 of 1,613,494 alleles (0.005%); highest among the groups gnomAD compares: South Asian, 0.032%; no homozygotes.

Submissions (8):

PreventionGenetics, part of Exact Sciences
Classification: Uncertain significance for TTN-related condition. Last evaluated: 2026-01-20. Review status: criteria provided, single submitter. Criteria: ACMG Guidelines, 2015. Collection method: clinical testing. Allele origin: germline.
Comment: The TTN c.105719G>A variant is predicted to result in the amino acid substitution p.Arg35240Gln. This variant was reported along with a second TTN variant in an individual with hypertrophic cardiomyopathy (described as p.R26175Q in NM_003319, Patient H109 in Table S4, Lopes et al. 2013. PubMed ID: 23396983). This variant was also reported in an individual with pediatric dilated cardiomyopathy; however, this individual also harbored additional variants in cardiomyopathy-related genes (Patient 477 in Table S2, Burstein et al. 2021. PubMed ID: 32746448). This variant is reported in 0.039% of alleles in individuals of South Asian descent in gnomAD. At this time, the clinical significance of this variant is uncertain due to the absence of conclusive functional and genetic evidence.

Revvity Omics, Revvity
Classification: Uncertain significance. Last evaluated: 2024-10-18. Review status: criteria provided, single submitter. Criteria: ACMG Guidelines, 2015. Collection method: clinical testing. Allele origin: germline.

Blueprint Genetics
Classification: Likely benign. Last evaluated: 2024-10-14. Review status: criteria provided, single submitter. Criteria: ACMG Guidelines, 2015. Collection method: clinical testing. Allele origin: germline.

GeneDx
Classification: Likely benign. Last evaluated: 2020-11-04. Review status: criteria provided, single submitter. Criteria: GeneDx Variant Classification Process June 2021. Collection method: clinical testing. Allele origin: germline. Affected: yes.
Comment: This variant is associated with the following publications: (PMID: 23396983)

Ambry Genetics
Classification: Likely benign for Cardiovascular phenotype. Last evaluated: 2020-03-26. Review status: criteria provided, single submitter. Criteria: Ambry Variant Classification Scheme 2023. Collection method: clinical testing. Allele origin: germline.

ARUP Laboratories, Molecular Genetics and Genomics, ARUP Laboratories
Classification: Uncertain significance. Last evaluated: 2019-03-01. Review status: criteria provided, single submitter. Criteria: ARUP Molecular Germline Variant Investigation Process. Collection method: clinical testing. Allele origin: germline.
Comment: The c.98015G>A; p.Arg32672Gln variant (rs530537991) has not been reported in the medical literature, gene specific variation databases, nor has it been previously identified by our laboratory. This variant is listed in the Genome Aggregation Database (gnomAD) with an overall population frequency of 0.006 percent (identified on 18 out of 280,138 chromosomes) and has been reported to the ClinVar database (Variation ID: 178891). This is a missense variant in a weakly conserved nucleotide, but computational analyses (Alamut v.2.11) predict that this variant may impact splicing by creating a novel cryptic donor splice site/weakening the nearby canonical splice site. Altogether, there is not enough evidence to classify the p.Arg32672Gln variant with certainty.

Labcorp Genetics (formerly Invitae), Labcorp
Classification: Uncertain significance for Dilated cardiomyopathy 1G; Autosomal recessive limb-girdle muscular dystrophy type 2J. Last evaluated: 2016-10-31. Review status: criteria provided, single submitter. Criteria: Invitae Variant Classification Sherloc (09022015). Collection method: clinical testing. Allele origin: germline.
Comment: This sequence change replaces arginine with glutamine at codon 35240 of the TTN protein (p.Arg35240Gln). The arginine residue is weakly conserved and there is a small physicochemical difference between arginine and glutamine. This variant is present in population databases (rs530537991, ExAC 0.05%) but has not been reported in the literature in individuals with a TTN-related disease. ClinVar contains an entry for this variant (Variation ID: 178891). Algorithms developed to predict the effect of missense changes on protein structure and function are unavailable for the TTN gene. The glutamine amino acid residue is found in multiple mammalian species, suggesting that this missense change does not adversely affect protein function. These predictions have not been confirmed by published functional studies. In summary, this variant is a rare missense change with unknown impact on protein function. Missense variants in this region of the TTN gene are typically not causative for cardiac disease, but may be relevant for neuromuscular disorders. However, the available evidence is currently insufficient to determine this variant‚Äôs role in disease. Therefore, it has been classified as a Variant of Uncertain Significance.

Laboratory for Molecular Medicine, Mass General Brigham Personalized Medicine
Classification: Likely benign. Last evaluated: 2015-04-04. Review status: criteria provided, single submitter. Criteria: LMM Criteria. Collection method: clinical testing. Allele origin: germline. Observed: 3 variant alleles.
Comment: p.Arg32672Gln in exon 307 of TTN: This variant is not expected to have clinical significance due to a lack of conservation across species, including mammals. Of note, 5 mammals (gibbon, bat, microbat, big brown bat, and platypus) have a glu tamine (Gln) at this position despite high nearby amino acid conservation. This variant has been identified in 4/8620 East Asian chromosomes by the Exome Aggreg ation Consortium (ExAC; dbSNP rs530537991).

Literature cited by the submitters: PubMed 23396983 (cited by Ambry Genetics).